The following is an entry in ClinVar:

ClinVar aggregate classification (germline): Uncertain significance. Review status: criteria provided, multiple submitters, no conflicts (2 of 4 stars). 3 submissions from 3 submitters: Uncertain significance (3). Last evaluated 2024-10-09.

Allele frequency attached by ClinVar (database versions not stated): ESP Exome Variant Server 0.00016.
gnomAD v4.1: 49 of 1,563,722 alleles (0.0031%); highest among the groups gnomAD compares: East Asian, 0.007%; no homozygotes.

Submissions (3):

GeneDx
Classification: Uncertain significance. Last evaluated: 2024-10-09. Review status: criteria provided, single submitter. Criteria: GeneDx Variant Classification Process June 2021. Collection method: clinical testing. Allele origin: germline. Affected: yes.
Comment: In silico analysis supports that this missense variant has a deleterious effect on protein structure/function; Has not been previously published as pathogenic or benign to our knowledge

Labcorp Genetics (formerly Invitae), Labcorp
Classification: Uncertain significance. Last evaluated: 2023-08-04. Review status: criteria provided, single submitter. Criteria: Invitae Variant Classification Sherloc (09022015). Collection method: clinical testing. Allele origin: germline.
Comment: In summary, the available evidence is currently insufficient to determine the role of this variant in disease. Therefore, it has been classified as a Variant of Uncertain Significance. Advanced modeling of protein sequence and biophysical properties (such as structural, functional, and spatial information, amino acid conservation, physicochemical variation, residue mobility, and thermodynamic stability) performed at Invitae indicates that this missense variant is not expected to disrupt CACNA1B protein function. ClinVar contains an entry for this variant (Variation ID: 2082888). This variant has not been reported in the literature in individuals affected with CACNA1B-related conditions. The frequency data for this variant in the population databases is considered unreliable, as metrics indicate poor data quality at this position in the gnomAD database. This sequence change replaces arginine, which is basic and polar, with tryptophan, which is neutral and slightly polar, at codon 1982 of the CACNA1B protein (p.Arg1982Trp).

Ambry Genetics
Classification: Uncertain significance. Last evaluated: 2023-02-15. Review status: criteria provided, single submitter. Criteria: Ambry Variant Classification Scheme 2023. Collection method: clinical testing. Allele origin: germline.

NM_000718.4(CACNA1B):c.5944C>T (p.Arg1982Trp)

Gene: CACNA1B (calcium voltage-gated channel subunit alpha1 B; plus strand). Cytogenetic location: 9q34.3.
Variant type: single nucleotide variant.
Coding change: c.5944C>T on transcript NM_000718.4 (MANE Select); coding-DNA position 5944, C replaced by T.
Protein change: p.Arg1982Trp; replaces arginine 1982 with tryptophan.
Molecular consequence: missense variant.
Genome position (GRCh38, 1-based): chr9:138,118,682, C>T. VCF-style: chr9-138118682-C-T. GRCh37 (hg19) VCF-style: chr9-141013134-C-T.
Other names: c.5944C>T, p.Arg1982Trp (NM_001243812.2); c.5944C>T (NM_000718.3); short protein forms R1982W.
Identifiers: ClinVar variation 2082888 (VCV002082888.4), dbSNP rs199630162, ClinGen allele CA5377554.
Genomic context (GRCh38, chr9:138,118,682, plus strand): 5'-GGTGGGACTAGGTGAGTGCTGTATCCACAGGCTGTGGACGTTCAGATGCAGAGCATAACC[C>T]GGAGGGGCCCTGATGGGGAGCCCCAGCCTGGGCTGGAGAGCCAGGGTCGAGCGGCCTCCA-3'
Protein context (NP_000709.1, residues 1972-1992): AVDVQMQSIT[Arg1982Trp]RGPDGEPQPG